The following is an entry in ClinVar:

NM_016589.4(TIMMDC1):c.146A>G (p.Tyr49Cys)

Gene: TIMMDC1 (translocase of inner mitochondrial membrane domain containing 1; plus strand). Cytogenetic location: 3q13.33.
Variant type: single nucleotide variant.
Coding change: c.146A>G on transcript NM_016589.4 (MANE Select); coding-DNA position 146, A replaced by G.
Protein change: p.Tyr49Cys; replaces tyrosine 49 with cysteine.
Molecular consequence: missense variant.
Genome position (GRCh38, 1-based): chr3:119,498,879, A>G. VCF-style: chr3-119498879-A-G. GRCh37 (hg19) VCF-style: chr3-119217726-A-G.
Other names: short protein forms Y49C.
Identifiers: ClinVar variation 2164607 (VCV002164607.4), dbSNP rs200356602, ClinGen allele CA2555121.

ClinVar aggregate classification (germline): Uncertain significance (1 of 4 stars; one submission).

Allele frequency attached by ClinVar (database versions not stated): gnomAD exomes 0.00003; gnomAD 0.00004; TOPMed 0.00004; ExAC 0.00007; 1000 Genomes Project 0.00040; 1000 Genomes Project 30x 0.00047.
gnomAD v4.1: 42 of 1,613,966 alleles (0.0026%); highest among the groups gnomAD compares: East Asian, 0.031%; no homozygotes.

Submission:

Labcorp Genetics (formerly Invitae), Labcorp
Classification: Uncertain significance. Last evaluated: 2022-04-15. Review status: criteria provided, single submitter. Criteria: Invitae Variant Classification Sherloc (09022015). Collection method: clinical testing. Allele origin: germline.
Comment: This variant is present in population databases (rs200356602, gnomAD 0.06%). In summary, the available evidence is currently insufficient to determine the role of this variant in disease. Therefore, it has been classified as a Variant of Uncertain Significance. Algorithms developed to predict the effect of missense changes on protein structure and function output the following: SIFT: "Tolerated"; PolyPhen-2: "Benign"; Align-GVGD: "Class C0". The cysteine amino acid residue is found in multiple mammalian species, which suggests that this missense change does not adversely affect protein function. This variant has not been reported in the literature in individuals affected with TIMMDC1-related conditions. This sequence change replaces tyrosine, which is neutral and polar, with cysteine, which is neutral and slightly polar, at codon 49 of the TIMMDC1 protein (p.Tyr49Cys).